The following is an entry in ClinVar:

ClinVar aggregate classification (germline): Uncertain significance (1 of 4 stars; one submission).

Allele frequency attached by ClinVar (database versions not stated): gnomAD exomes below 0.00001.
gnomAD v4.1: 1 of 1,604,874 alleles (0.000062%); highest among the groups gnomAD compares: Admixed American, 0.0017%; no homozygotes.

Submission:

GeneDx
Classification: Uncertain significance. Last evaluated: 2022-02-03. Review status: criteria provided, single submitter. Criteria: GeneDx Variant Classification Process June 2021. Collection method: clinical testing. Allele origin: germline. Affected: yes.
Comment: Not observed at significant frequency in large population cohorts (gnomAD); In silico analysis supports that this missense variant does not alter protein structure/function; Has not been previously published as pathogenic or benign to our knowledge

NM_020937.4(FANCM):c.4387T>C (p.Ser1463Pro)

Gene: FANCM (FA complementation group M; plus strand). Cytogenetic location: 14q21.2.
Variant type: single nucleotide variant.
Coding change: c.4387T>C on transcript NM_020937.4 (MANE Select); coding-DNA position 4387, T replaced by C.
Protein change: p.Ser1463Pro; replaces serine 1463 with proline.
Molecular consequence: missense variant.
Genome position (GRCh38, 1-based): chr14:45,183,774, T>C. VCF-style: chr14-45183774-T-C. GRCh37 (hg19) VCF-style: chr14-45652977-T-C.
Other names: c.4309T>C, p.Ser1437Pro (NM_001308133.2); short protein forms S1437P, S1463P.
Identifiers: ClinVar variation 1700299 (VCV001700299.2), dbSNP rs1280057432, ClinGen allele CA389607440.